The following is an entry in ClinVar:

NM_000334.4(SCN4A):c.827T>C (p.Leu276Pro)

Gene: SCN4A (sodium voltage-gated channel alpha subunit 4; minus strand). Cytogenetic location: 17q23.3.
Variant type: single nucleotide variant.
Coding change: c.827T>C on transcript NM_000334.4 (MANE Select); coding-DNA position 827, T replaced by C.
Protein change: p.Leu276Pro; replaces leucine 276 with proline.
Molecular consequence: missense variant.
Genome position (GRCh38, 1-based): chr17:63,968,232, A>G on the plus strand (T>C on the coding strand, the complement: SCN4A is on the minus strand). VCF-style: chr17-63968232-A-G. GRCh37 (hg19) VCF-style: chr17-62045592-A-G.
Other names: short protein forms L276P.
Identifiers: ClinVar variation 4857470 (VCV004857470.1).

ClinVar aggregate classification (germline): Uncertain significance (1 of 4 stars; one submission).

Conditions:
Paramyotonia congenita of Von Eulenburg. Also called: Eulenburg disease; Myotonia congenita intermittens; Von Eulenburg paramyotonia congenita; PARALYSIS PERIODICA PARAMYOTONICA; Paramyotonia Congenita. Identifiers: Orphanet 684, MedGen C0221055, MONDO:0008195, OMIM 168300. Disease mechanism: loss of function.

Submission:

Institute of Human Genetics, University of Leipzig Medical Center
Classification: Uncertain significance for Paramyotonia congenita of Von Eulenburg. Last evaluated: 2026-05-07. Review status: criteria provided, single submitter. Criteria: ACMG Guidelines, 2015. Collection method: clinical testing. Allele origin: unknown. Inheritance: Autosomal dominant inheritance. Affected: yes.
Comment: Criteria applied: PM1_SUP,PM2,PP2,PP3